The following is an entry in ClinVar:

NM_173630.4(RTTN):c.739C>T (p.Arg247Cys)

Gene: RTTN (rotatin; minus strand). Cytogenetic location: 18q22.2.
Variant type: single nucleotide variant.
Coding change: c.739C>T on transcript NM_173630.4 (MANE Select); coding-DNA position 739, C replaced by T.
Protein change: p.Arg247Cys; replaces arginine 247 with cysteine.
Molecular consequence: missense variant. On other transcripts: 5 prime UTR variant (1).
Genome position (GRCh38, 1-based): chr18:70,196,603, G>A on the plus strand (C>T on the coding strand, the complement: RTTN is on the minus strand). VCF-style: chr18-70196603-G-A. GRCh37 (hg19) VCF-style: chr18-67863839-G-A.
Other names: c.-1815C>T (NM_001318520.2); short protein forms R247C.
Identifiers: ClinVar variation 1213594 (VCV001213594.3), dbSNP rs199691416, ClinGen allele CA8996376.

ClinVar aggregate classification (germline): Uncertain significance (1 of 4 stars; one submission).

Allele frequency attached by ClinVar (database versions not stated): TOPMed 0.00006; gnomAD exomes 0.00010 and 0.00030; ESP Exome Variant Server 0.00017; ExAC 0.00033; gnomAD 0.00159 and 0.00172.

Submission:

GeneDx
Classification: Uncertain significance. Last evaluated: 2019-10-14. Review status: criteria provided, single submitter. Criteria: GeneDx Variant Classification Process June 2021. Collection method: clinical testing. Allele origin: germline. Affected: yes.
Comment: In silico analysis, which includes protein predictors and evolutionary conservation, supports that this variant does not alter protein structure/function; Has not been previously published as pathogenic or benign to our knowledge